The following is an entry in ClinVar:

NM_014264.5(PLK4):c.1953A>G (p.Pro651=)

Gene: PLK4 (polo like kinase 4; plus strand). Cytogenetic location: 4q28.1.
Variant type: single nucleotide variant.
Coding change: c.1953A>G on transcript NM_014264.5 (MANE Select); coding-DNA position 1953, A replaced by G.
Protein change: p.Pro651=; no amino-acid change (proline 651 retained).
Molecular consequence: synonymous variant.
Genome position (GRCh38, 1-based): chr4:127,891,596, A>G. VCF-style: chr4-127891596-A-G. GRCh37 (hg19) VCF-style: chr4-128812751-A-G.
Other names: c.1857A>G, p.Pro619= (NM_001190799.2); c.1830A>G, p.Pro610= (NM_001190801.2).
Identifiers: ClinVar variation 3696296 (VCV003696296.10).
Genomic context (GRCh38, chr4:127,891,596, plus strand): 5'-CTTAATGGCATGTAATTAGAATTTTAAAAAAATCTTTTGGCAGATCACTATTTATTATCC[A>G]AATGGTGGTAGAGGTTTTCCTCTTGCTGATAGACCACCCTCACCTACTGACAACATCAGT-3'
Protein context (NP_055079.3, residues 641-661): SDGNTITIYY[Pro651=]NGGRGFPLAD

ClinVar aggregate classification (germline): Likely benign. Review status: criteria provided, multiple submitters, no conflicts (2 of 4 stars). 2 submissions from 2 submitters: Likely benign (2). Last evaluated 2025-08-01.

gnomAD v4.1: 2 of 1,526,718 alleles (0.00013%); highest among the groups gnomAD compares: Admixed American, 0.0037%; no homozygotes.

Submissions (2):

CeGaT Center for Human Genetics Tuebingen
Classification: Likely benign. Last evaluated: 2025-08-01. Review status: criteria provided, single submitter. Criteria: CeGaT Center For Human Genetics Tuebingen Variant Classification Criteria Version 2. Collection method: clinical testing. Allele origin: germline. Affected: yes. Observed: 1 variant allele.
Comment: PLK4: BP4, BP7

Labcorp Genetics (formerly Invitae), Labcorp
Classification: Likely benign. Last evaluated: 2024-11-03. Review status: criteria provided, single submitter. Criteria: Invitae Variant Classification Sherloc (09022015). Collection method: clinical testing. Allele origin: germline.